The following is an entry in ClinVar:

ClinVar aggregate classification (germline): Uncertain significance (1 of 4 stars; one submission).

Submission:

Labcorp Genetics (formerly Invitae), Labcorp
Classification: Uncertain significance. Last evaluated: 2025-08-20. Review status: criteria provided, single submitter. Criteria: Invitae Variant Classification Sherloc (09022015). Collection method: clinical testing. Allele origin: germline.
Comment: This variant, c.1330_1335del, results in the deletion of 2 amino acid(s) of the NFKB1 protein (p.Pro444_Glu445del), but otherwise preserves the integrity of the reading frame. This variant is not present in population databases (gnomAD no frequency). This variant has not been reported in the literature in individuals affected with NFKB1-related conditions. Experimental studies and prediction algorithms are not available or were not evaluated, and the functional significance of this variant is currently unknown. In summary, the available evidence is currently insufficient to determine the role of this variant in disease. Therefore, it has been classified as a Variant of Uncertain Significance.

NM_003998.4(NFKB1):c.1330_1335del (p.Pro444_Glu445del)

Gene: NFKB1 (nuclear factor kappa B subunit 1; plus strand). Cytogenetic location: 4q24.
Variant type: Deletion.
Coding change: c.1330_1335del on transcript NM_003998.4 (MANE Select); coding-DNA positions 1330 to 1335, 6 bases deleted (CCTGAA; older notation c.1330_1335delCCTGAA).
Protein change: p.Pro444_Glu445del.
Molecular consequence: inframe deletion.
Genome position (GRCh38, 1-based): chr4:102,596,167-102,596,172, CCTGAA deleted. VCF-style (leftmost placement, unchanged base first): chr4-102596166-CCCTGAA-C. GRCh37 (hg19) VCF-style: chr4-103517323-CCCTGAA-C.
Other names: c.1327_1332del, p.Pro443_Glu444del (NM_001165412.2, NM_001319226.2, NM_001382627.1); c.1330_1335del, p.Pro444_Glu445del (NM_001382625.1, NM_001382626.1); c.1288_1293del, p.Pro430_Glu431del (NM_001382628.1).
Identifiers: ClinVar variation 4697068 (VCV004697068.1).